The following is an entry in ClinVar:

NM_152594.3(SPRED1):c.207+3A>C

Gene: SPRED1 (sprouty related EVH1 domain containing 1; plus strand). Cytogenetic location: 15q14.
Variant type: single nucleotide variant.
Coding change: c.207+3A>C on transcript NM_152594.3 (MANE Select); 3 bases into the intron after coding-DNA position 207, A replaced by C.
Molecular consequence: intron variant.
Genome position (GRCh38, 1-based): chr15:38,299,550, A>C. VCF-style: chr15-38299550-A-C. GRCh37 (hg19) VCF-style: chr15-38591751-A-C.
Identifiers: ClinVar variation 3646689 (VCV003646689.2).

ClinVar aggregate classification (germline): Uncertain significance (1 of 4 stars; one submission).

Conditions:
Legius syndrome. Identifiers: Orphanet 137605, MedGen C1969623, MONDO:0012669, OMIM 611431. Disease mechanism: loss of function.

Submission:

Labcorp Genetics (formerly Invitae), Labcorp
Classification: Uncertain significance for Legius syndrome. Last evaluated: 2024-03-19. Review status: criteria provided, single submitter. Criteria: Invitae Variant Classification Sherloc (09022015). Collection method: clinical testing. Allele origin: germline.
Comment: This sequence change falls in intron 2 of the SPRED1 gene. It does not directly change the encoded amino acid sequence of the SPRED1 protein. It affects a nucleotide within the consensus splice site. This variant is not present in population databases (gnomAD no frequency). This variant has not been reported in the literature in individuals affected with SPRED1-related conditions. Variants that disrupt the consensus splice site are a relatively common cause of aberrant splicing (PMID: 17576681, 9536098). Algorithms developed to predict the effect of sequence changes on RNA splicing suggest that this variant may disrupt the consensus splice site. In summary, the available evidence is currently insufficient to determine the role of this variant in disease. Therefore, it has been classified as a Variant of Uncertain Significance.

Literature cited by the submitters: PubMed 17576681; PubMed 9536098.